The following is an entry in ClinVar:

NM_020778.5(ALPK3):c.3919T>G (p.Leu1307Val)

Gene: ALPK3 (alpha kinase 3; plus strand). Cytogenetic location: 15q25.3.
Variant type: single nucleotide variant.
Coding change: c.3919T>G on transcript NM_020778.5 (MANE Select); coding-DNA position 3919, T replaced by G.
Protein change: p.Leu1307Val; replaces leucine 1307 with valine.
Molecular consequence: missense variant.
Genome position (GRCh38, 1-based): chr15:84,859,344, T>G. VCF-style: chr15-84859344-T-G. GRCh37 (hg19) VCF-style: chr15-85402575-T-G.
Other names: short protein forms L1307V.
Identifiers: ClinVar variation 1955868 (VCV001955868.5), dbSNP rs1403427889, ClinGen allele CA393361577.

ClinVar aggregate classification (germline): Uncertain significance (1 of 4 stars; one submission).

Allele frequency attached by ClinVar (database versions not stated): gnomAD 0.00001; gnomAD exomes below 0.00001; TOPMed below 0.00001.
gnomAD v4.1: 2 of 1,614,052 alleles (0.00012%); highest among the groups gnomAD compares: African/African-American, 0.0027%; no homozygotes.

Submission:

Labcorp Genetics (formerly Invitae), Labcorp
Classification: Uncertain significance. Last evaluated: 2025-09-09. Review status: criteria provided, single submitter. Criteria: Invitae Variant Classification Sherloc (09022015). Collection method: clinical testing. Allele origin: germline.
Comment: This sequence change replaces leucine, which is neutral and non-polar, with valine, which is neutral and non-polar, at codon 1509 of the ALPK3 protein (p.Leu1509Val). This variant is not present in population databases (gnomAD no frequency). This variant has not been reported in the literature in individuals affected with ALPK3-related conditions. ClinVar contains an entry for this variant (Variation ID: 1955868). Invitae Evidence Modeling of protein sequence and biophysical properties (such as structural, functional, and spatial information, amino acid conservation, physicochemical variation, residue mobility, and thermodynamic stability) indicates that this missense variant is expected to disrupt ALPK3 protein function with a positive predictive value of 80%. In summary, the available evidence is currently insufficient to determine the role of this variant in disease. Therefore, it has been classified as a Variant of Uncertain Significance.